The following is an entry in ClinVar:

NM_014391.3(ANKRD1):c.827C>T (p.Ala276Val)

Gene: ANKRD1 (ankyrin repeat domain 1; minus strand). Cytogenetic location: 10q23.31.
Variant type: single nucleotide variant.
Coding change: c.827C>T on transcript NM_014391.3 (MANE Select); coding-DNA position 827, C replaced by T.
Protein change: p.Ala276Val; replaces alanine 276 with valine.
Molecular consequence: missense variant.
Genome position (GRCh38, 1-based): chr10:90,915,565, G>A on the plus strand (C>T on the coding strand, the complement: ANKRD1 is on the minus strand). VCF-style: chr10-90915565-G-A. GRCh37 (hg19) VCF-style: chr10-92675322-G-A.
Other names: p.A276V:GCG>GTG; short protein forms A276V.
Identifiers: ClinVar variation 45639 (VCV000045639.69), dbSNP rs35550482, ClinGen allele CA136853.

ClinVar aggregate classification (germline): Conflicting classifications of pathogenicity. Review status: criteria provided, conflicting classifications (1 of 4 stars). 19 submissions from 18 submitters: Uncertain significance (1); Benign (7); Likely benign (7). 4 of the submissions do not count toward it. Last evaluated 2026-05-01.

Conditions:
Cardiomyopathy (CMYO). Also called: Cardiomyopathies. Identifiers: Orphanet 167848, MedGen C0878544, MONDO:0004994, HP:0001638. Inheritance: Various modes of inheritance.
Systolic heart failure. Identifiers: MedGen C1135191, MONDO:0006993.
Cardiovascular phenotype. Identifiers: MedGen CN230736.
Congenital total pulmonary venous return anomaly (TAPVR1). Also called: Total anomalous pulmonary venous return; TOTAL ANOMALOUS PULMONARY VENOUS RETURN 1. Identifiers: Orphanet 99125, MedGen C4551903, MONDO:0007130, OMIM 106700, HP:0005160.
ANKRD1-related dilated cardiomyopathy. Identifiers: MedGen CN119551.
Primary familial hypertrophic cardiomyopathy (HCM). Identifiers: Orphanet 99739, MedGen C0949658, MeSH D024741, MONDO:0024573. Inheritance: Various modes of inheritance.
Primary dilated cardiomyopathy (DCM). Also called: Dilated Cardiomyopathy. Identifiers: Orphanet 217604, MedGen C0007193, MeSH D002311, MONDO:0005021, HP:0001644. Inheritance: Various modes of inheritance.

Allele frequency attached by ClinVar (database versions not stated): 1000 Genomes Project 30x 0.00016; 1000 Genomes Project 0.00020; gnomAD 0.00233 and 0.00244; TOPMed 0.00234; gnomAD exomes 0.00274 and 0.00318; ExAC 0.00286; ESP Exome Variant Server 0.00415.

Submissions (19):

CeGaT Center for Human Genetics Tuebingen
Classification: Likely benign. Last evaluated: 2026-05-01. Review status: criteria provided, single submitter. Criteria: CeGaT Center For Human Genetics Tuebingen Variant Classification Criteria Version 2. Collection method: clinical testing. Allele origin: germline. Affected: yes. Observed: 4 variant alleles.
Comment: ANKRD1: BP4, BS2

Labcorp Genetics (formerly Invitae), Labcorp
Classification: Benign for ANKRD1-related dilated cardiomyopathy. Last evaluated: 2026-01-27. Review status: criteria provided, single submitter. Criteria: Invitae Variant Classification Sherloc (09022015). Collection method: clinical testing. Allele origin: germline.

ARUP Laboratories, Molecular Genetics and Genomics, ARUP Laboratories
Classification: Benign. Last evaluated: 2023-11-07. Review status: criteria provided, single submitter. Criteria: ARUP Molecular Germline Variant Investigation Process 2024. Collection method: clinical testing. Allele origin: germline.

CHEO Genetics Diagnostic Laboratory, Children's Hospital of Eastern Ontario
Classification: Likely benign for Cardiomyopathy. Last evaluated: 2019-04-30. Review status: criteria provided, single submitter. Criteria: ACMG Guidelines, 2015. Collection method: clinical testing. Allele origin: germline. Study: Canadian Open Genetics Repository.

Center for Advanced Laboratory Medicine, UC San Diego Health, University of California San Diego
Classification: Benign for Cardiomyopathy; Heart failure, systolic. Last evaluated: 2019-04-01. Review status: criteria provided, single submitter. Criteria: ACMG Guidelines, 2015. Collection method: clinical testing. Allele origin: germline. Affected: yes. Observed: 2 variant alleles.

Laboratory for Molecular Medicine, Mass General Brigham Personalized Medicine
Classification: Benign. Last evaluated: 2018-08-29. Review status: criteria provided, single submitter. Criteria: LMM Criteria. Collection method: clinical testing. Allele origin: germline. Observed: 11 variant alleles.
Comment: The p.Ala276Val variant in ANKRD1 is classified as benign because it has been de tected in 2% (212/10136) of Ashkenazi Jewish chromosomes by gnomAD. ACMG/AMP Criteria applied: BA1.

GeneDx
Classification: Benign. Last evaluated: 2018-03-06. Review status: criteria provided, single submitter. Criteria: GeneDx Variant Classification (06012015). Collection method: clinical testing. Allele origin: germline. Affected: yes.
Comment: This variant is considered likely benign or benign based on one or more of the following criteria: it is a conservative change, it occurs at a poorly conserved position in the protein, it is predicted to be benign by multiple in silico algorithms, and/or has population frequency not consistent with disease.

Women's Health and Genetics/Laboratory Corporation of America, LabCorp
Classification: Likely benign. Last evaluated: 2017-07-31. Review status: criteria provided, single submitter. Criteria: LabCorp Variant Classification Summary - May 2015. Collection method: clinical testing. Allele origin: germline.
Comment: Variant summary: The ANKRD1 c.827C>T (p.Ala276Val) variant involves the alteration of a conserved nucleotide. 3/4 in silico tools predict a damaging outcome for this variant (SNPsandGO not captured due to low reliability index). In vitro functional analysis shows that this variant leads to decrease in transcriptional repression activity (Duboscq-Bidot_2009).This variant was found in 346/121722 control chromosomes (1 homozygote) including ExAC at a frequency of 0.0028425, which is approximately 83 times the estimated maximal expected allele frequency of a pathogenic ANKRD1 variant (0.0000344), suggesting this variant is likely a benign polymorphism. This variant has been reported in two siblings with DCM without strong evidence for causality (Duboscq-Bidot_2009). In addition, multiple clinical diagnostic laboratories/reputable databases have classified this variant as likely benign/benign. Taken together, this variant is currently classified as likely benign.

Molecular Diagnostic Laboratory for Inherited Cardiovascular Disease, Montreal Heart Institute
Classification: Likely benign for Primary familial hypertrophic cardiomyopathy. Last evaluated: 2017-05-23. Review status: criteria provided, single submitter. Criteria: ACMG Guidelines, 2015. Collection method: clinical testing. Allele origin: germline. Affected: yes.

Illumina Laboratory Services, Illumina
Classification: Likely benign for Primary dilated cardiomyopathy. Last evaluated: 2017-04-27. Review status: criteria provided, single submitter. Criteria: ICSL Variant Classification Criteria 13 December 2019. Collection method: clinical testing. Allele origin: germline.
Comment: This variant was observed as part of a predisposition screen in an ostensibly healthy population. A literature search was performed for the gene, cDNA change, and amino acid change (where applicable). No publications were found based on this search. Allele frequency data from public databases allowed determination this variant is unlikely to cause disease. Therefore, this variant is classified as likely benign.

Ambry Genetics
Classification: Benign for Cardiovascular phenotype. Last evaluated: 2017-02-23. Review status: criteria provided, single submitter. Criteria: Ambry Variant Classification Scheme 2023. Collection method: clinical testing. Allele origin: germline.

Genome Diagnostics Laboratory, University Medical Center Utrecht
Classification: Likely benign for Congenital total pulmonary venous return anomaly. Last evaluated: 2016-10-19. Review status: criteria provided, single submitter. Criteria: ACGS Guidelines, 2013. Collection method: clinical testing. Allele origin: germline. Affected: yes. Study: VKGL Data-share Consensus.

Clinical Genetics DNA and cytogenetics Diagnostics Lab, Erasmus MC, Erasmus Medical Center
Classification: Uncertain significance for Congenital total pulmonary venous return anomaly. Last evaluated: 2015-09-21. Review status: criteria provided, single submitter. Criteria: ACGS Guidelines, 2013. Collection method: clinical testing. Allele origin: germline. Affected: yes. Study: VKGL Data-share Consensus.

Eurofins Ntd Llc (ga)
Classification: Likely benign. Last evaluated: 2015-05-04. Review status: criteria provided, single submitter. Criteria: EGL Classification Definitions 2015. Collection method: clinical testing. Allele origin: germline. Observed: 1 variant allele, 1 heterozygote.

Biesecker Lab/Clinical Genomics Section, National Institutes of Health
Classification: Benign for Cardiomyopathy, dilated. Last evaluated: 2013-06-24. Review status: criteria provided, single submitter. Criteria: Ng et al. (Circ Cardiovasc Genet. 2013). Collection method: research. Allele origin: unknown. Observed: 8 variant alleles. Study: ClinSeq.
Comment: The study set was not selected for affection status in relation to any cancer. Pathogenicity categories were based on literature curation. See Pubmed ID:23861362 for details.

Medical sequencing

Clinical Genetics DNA and cytogenetics Diagnostics Lab, Erasmus MC, Erasmus Medical Center
Classification: Likely benign. Review status: no assertion criteria provided. Collection method: clinical testing. Allele origin: germline. Affected: yes. Study: VKGL Data-share Consensus. Not counted in ClinVar's aggregate classification.

Clinical Genetics, Academic Medical Center
Classification: Benign. Review status: no assertion criteria provided. Collection method: clinical testing. Allele origin: germline. Affected: yes. Study: VKGL Data-share Consensus. Not counted in ClinVar's aggregate classification.

Diagnostic Laboratory, Department of Genetics, University Medical Center Groningen
Classification: Benign for Congenital total pulmonary venous return anomaly. Review status: no assertion criteria provided. Collection method: clinical testing. Allele origin: germline. Affected: yes. Study: VKGL Data-share Consensus. Not counted in ClinVar's aggregate classification.

Joint Genome Diagnostic Labs from Nijmegen and Maastricht, Radboudumc and MUMC+
Classification: Benign. Review status: no assertion criteria provided. Collection method: clinical testing. Allele origin: germline. Affected: yes. Study: VKGL Data-share Consensus. Not counted in ClinVar's aggregate classification.

Literature cited by the submitters: PubMed 19525294 (cited by 3 submitters); PubMed 23299917 (cited by Eurofins Ntd Llc (ga)).